The following is an entry in ClinVar:

ClinVar aggregate classification (germline): Pathogenic (1 of 4 stars; one submission).

Conditions:
Autoimmune lymphoproliferative syndrome type 1. Also called: AUTOIMMUNE LYMPHOPROLIFERATIVE SYNDROME, TYPE I, AUTOSOMAL DOMINANT. Identifiers: Orphanet 3261, MedGen C2717884, MONDO:0011158, OMIM 601859.

Submission:

Labcorp Genetics (formerly Invitae), Labcorp
Classification: Pathogenic for Autoimmune lymphoproliferative syndrome. Last evaluated: 2020-09-23. Review status: criteria provided, single submitter. Criteria: Invitae Variant Classification Sherloc (09022015). Collection method: clinical testing. Allele origin: germline.
Comment: This sequence change creates a premature translational stop signal (p.Lys148*) in the FAS gene. It is expected to result in an absent or disrupted protein product. For these reasons, this variant has been classified as Pathogenic. Loss-of-function variants in FAS are known to be pathogenic (PMID: 10875918, 22237435). This variant has not been reported in the literature in individuals with FAS-related conditions. This variant is not present in population databases (ExAC no frequency).

Literature cited by the submitters: PubMed 10875918; PubMed 22237435.

NM_000043.6(FAS):c.442A>T (p.Lys148Ter)

Gene: FAS (Fas cell surface death receptor; plus strand). Cytogenetic location: 10q23.31.
Variant type: single nucleotide variant.
Coding change: c.442A>T on transcript NM_000043.6 (MANE Select); coding-DNA position 442, A replaced by T.
Protein change: p.Lys148Ter; replaces lysine 148 with a stop codon.
Molecular consequence: nonsense. On other transcripts: non-coding transcript variant (1).
Genome position (GRCh38, 1-based): chr10:89,008,996, A>T. VCF-style: chr10-89008996-A-T. GRCh37 (hg19) VCF-style: chr10-90768753-A-T.
Other names: c.442A>T, p.Lys148Ter (NM_001320619.2, NM_152871.4, NM_152872.4); short protein forms K148*.
Identifiers: ClinVar variation 1070958 (VCV001070958.7), dbSNP rs2133515017, ClinGen allele CA377508879.